The following is an entry in ClinVar:

NM_182895.5(SCARF2):c.1072C>T (p.Arg358Trp)

Gene: SCARF2 (scavenger receptor class F member 2; minus strand). Cytogenetic location: 22q11.21.
Variant type: single nucleotide variant.
Coding change: c.1072C>T on transcript NM_182895.5 (MANE Select); coding-DNA position 1072, C replaced by T.
Protein change: p.Arg358Trp; replaces arginine 358 with tryptophan.
Molecular consequence: missense variant.
Genome position (GRCh38, 1-based): chr22:20,430,691, G>A on the plus strand (C>T on the coding strand, the complement: SCARF2 is on the minus strand). VCF-style: chr22-20430691-G-A. GRCh37 (hg19) VCF-style: chr22-20784978-G-A.
Other names: c.1072C>T, p.Arg358Trp (NM_153334.7); short protein forms R358W.
Identifiers: ClinVar variation 1927679 (VCV001927679.5), dbSNP rs1200339596, ClinGen allele CA410744083.

ClinVar aggregate classification (germline): Uncertain significance (1 of 4 stars; one submission).

Allele frequency attached by ClinVar (database versions not stated): TOPMed below 0.00001.
gnomAD v4.1: 1 of 1,597,744 alleles (0.000063%); highest among the groups gnomAD compares: African/African-American, 0.0013%; no homozygotes.

Submission:

Labcorp Genetics (formerly Invitae), Labcorp
Classification: Uncertain significance. Last evaluated: 2022-08-15. Review status: criteria provided, single submitter. Criteria: Invitae Variant Classification Sherloc (09022015). Collection method: clinical testing. Allele origin: germline.
Comment: In summary, the available evidence is currently insufficient to determine the role of this variant in disease. Therefore, it has been classified as a Variant of Uncertain Significance. Algorithms developed to predict the effect of missense changes on protein structure and function are either unavailable or do not agree on the potential impact of this missense change (SIFT: "Deleterious"; PolyPhen-2: "Probably Damaging"; Align-GVGD: "Class C0"). This variant has not been reported in the literature in individuals affected with SCARF2-related conditions. This variant is not present in population databases (gnomAD no frequency). This sequence change replaces arginine, which is basic and polar, with tryptophan, which is neutral and slightly polar, at codon 358 of the SCARF2 protein (p.Arg358Trp).